The following is an entry in ClinVar:

ClinVar aggregate classification (germline): Benign. Review status: criteria provided, multiple submitters, no conflicts (2 of 4 stars). 6 submissions from 6 submitters: Benign (4). 2 of the submissions do not count toward it. Last evaluated 2026-01-31.

Conditions:
Hypoparathyroidism-retardation-dysmorphism syndrome (HRDS). Also called: SANJAD-SAKATI SYNDROME. Identifiers: Orphanet 2323, MedGen C1855840, MONDO:0009426, OMIM 241410.

Allele frequency attached by ClinVar (database versions not stated): gnomAD exomes 0.02093; ExAC 0.02269; 1000 Genomes Project 30x 0.03498; 1000 Genomes Project 0.03614; gnomAD 0.04115 and 0.04346; TOPMed 0.04409; ESP Exome Variant Server 0.04944.
gnomAD v4.1: 33,031 of 1,614,104 alleles (2%); highest among the groups gnomAD compares: African/African-American, 11%; 709 homozygotes.

Submissions (6):

Labcorp Genetics (formerly Invitae), Labcorp
Classification: Benign. Last evaluated: 2026-01-31. Review status: criteria provided, single submitter. Criteria: Invitae Variant Classification Sherloc (09022015). Collection method: clinical testing. Allele origin: germline.

GeneDx
Classification: Benign. Last evaluated: 2018-07-09. Review status: criteria provided, single submitter. Criteria: GeneDx Variant Classification Process June 2021. Collection method: clinical testing. Allele origin: germline. Affected: yes.

Illumina Laboratory Services, Illumina
Classification: Benign for Hypoparathyroidism-retardation-dysmorphism syndrome. Last evaluated: 2018-01-12. Review status: criteria provided, single submitter. Criteria: ICSL Variant Classification Criteria 13 December 2019. Collection method: clinical testing. Allele origin: germline.
Comment: This variant was observed in the ICSL laboratory as part of a predisposition screen in an ostensibly healthy population. It had not been previously curated by ICSL or reported in the Human Gene Mutation Database (HGMD: prior to June 1st, 2018), and was therefore a candidate for classification through an automated scoring system. Utilizing variant allele frequency, disease prevalence and penetrance estimates, and inheritance mode, an automated score was calculated to assess if this variant is too frequent to cause the disease. Based on the score and internal cut-off values, a variant classified as benign is not then subjected to further curation. The score for this variant resulted in a classification of benign for this disease.

Breakthrough Genomics
Classification: Benign. Review status: criteria provided, single submitter. Criteria: ACMG Guidelines, 2015. Collection method: not provided. Allele origin: germline. Inheritance: Autosomal recessive inheritance. Affected: yes.

Clinical Genetics, Academic Medical Center
Classification: Benign. Review status: no assertion criteria provided. Collection method: clinical testing. Allele origin: germline. Affected: yes. Study: VKGL Data-share Consensus. Not counted in ClinVar's aggregate classification.

Genome Diagnostics Laboratory, University Medical Center Utrecht
Classification: Benign. Review status: no assertion criteria provided. Collection method: clinical testing. Allele origin: germline. Affected: yes. Study: VKGL Data-share Consensus. Not counted in ClinVar's aggregate classification.

NM_003193.5(TBCE):c.1068A>G (p.Leu356=)

Gene: TBCE (tubulin folding cofactor E; plus strand). Cytogenetic location: 1q42.3.
Variant type: single nucleotide variant.
Coding change: c.1068A>G on transcript NM_003193.5 (MANE Select); coding-DNA position 1068, A replaced by G.
Protein change: p.Leu356=; no amino-acid change (leucine 356 retained).
Molecular consequence: synonymous variant.
Genome position (GRCh38, 1-based): chr1:235,437,426, A>G. VCF-style: chr1-235437426-A-G. GRCh37 (hg19) VCF-style: chr1-235600741-A-G.
Other names: c.1068A>G, p.Leu356= (NM_001079515.3); c.1221A>G, p.Leu407= (NM_001287801.2); c.729A>G, p.Leu243= (NM_001287802.2).
Identifiers: ClinVar variation 296305 (VCV000296305.16), dbSNP rs6666168, ClinGen allele CA1464326.